The following is an entry in ClinVar:

NC_012920.1(MT-ND6):m.14384G>A

Gene: MT-ND6 (mitochondrially encoded NADH dehydrogenase 6; minus strand).
Variant type: single nucleotide variant.
Genome position: chrM-14384-G-A.
Identifiers: ClinVar variation 693718 (VCV000693718.2), dbSNP rs1556424435, ClinGen allele CA414822232.
Genomic context (GRCh38, chrMT:14,384, plus strand): 5'-TTTACCACAACCACCACCCCATCATACTCTTTCACCCACAGCACCAATCCTACCTCCATC[G>A]CTAACCCCACTAAAACACTCACCAAGACCTCAACCCCTGACCCCCATGCCTCAGGATACT-3'

ClinVar aggregate classification (germline): Benign/Likely benign. Review status: criteria provided, multiple submitters, no conflicts (2 of 4 stars). 2 submissions from 2 submitters: Benign (1); Likely benign (1). Last evaluated 2025-02-16.

Conditions:
Leigh syndrome (NULS). Also called: Leigh's necrotizing encephalopathy; Leigh's disease; Leigh's syndrome; LEIGH SYNDROME, NUCLEAR; Leigh Syndrome (mtDNA deletion); Leigh Disease. Identifiers: Orphanet 506, MedGen C2931891, MONDO:0009723, OMIM 256000.

Submissions (2):

Laboratory of Genetics, Children's Clinical University Hospital Latvia
Classification: Likely benign. Last evaluated: 2025-02-16. Review status: criteria provided, single submitter. Criteria: ACMG Guidelines, 2015. Collection method: clinical testing. Allele origin: germline. Affected: yes.

Wong Mito Lab, Molecular and Human Genetics, Baylor College of Medicine
Classification: Benign for Leigh syndrome. Last evaluated: 2019-10-17. Review status: criteria provided, single submitter. Criteria: Modified ACMG Guidelines (Unpublished). Collection method: clinical testing. Allele origin: germline.
Comment: The NC_012920.1:m.14384G>A (YP_003024037.1:p.Ala97Val) variant in MTND6 gene is interpretated to be a Benign variant based on the modified ACMG guidelines (unpublished). This variant meets the following evidence codes: BS1, BS2, BP4